The following is an entry in ClinVar:

NM_003482.4(KMT2D):c.9835C>T (p.Gln3279Ter)

Gene: KMT2D (lysine methyltransferase 2D; minus strand). Cytogenetic location: 12q13.12.
Variant type: single nucleotide variant.
Coding change: c.9835C>T on transcript NM_003482.4 (MANE Select); coding-DNA position 9835, C replaced by T.
Protein change: p.Gln3279Ter; replaces glutamine 3279 with a stop codon.
Molecular consequence: nonsense.
Genome position (GRCh38, 1-based): chr12:49,037,521, G>A on the plus strand (C>T on the coding strand, the complement: KMT2D is on the minus strand). VCF-style: chr12-49037521-G-A. GRCh37 (hg19) VCF-style: chr12-49431304-G-A.
Other names: short protein forms Q3279*.
Identifiers: ClinVar variation 1319154 (VCV001319154.5), dbSNP rs2120480689, ClinGen allele CA384734278.

ClinVar aggregate classification (germline): Pathogenic/Likely pathogenic. Review status: criteria provided, multiple submitters, no conflicts (2 of 4 stars). 2 submissions from 2 submitters: Pathogenic (1); Likely pathogenic (1). Last evaluated 2025-01-08.

Conditions:
KMT2D-related disorder. Also called: KMT2D-Related Disorders.

Submissions (2):

PreventionGenetics, part of Exact Sciences
Classification: Likely pathogenic for KMT2D-related condition. Last evaluated: 2025-01-08. Review status: criteria provided, single submitter. Criteria: ACMG Guidelines, 2015. Collection method: clinical testing. Allele origin: germline.
Comment: The KMT2D c.9835C>T variant is predicted to result in premature protein termination (p.Gln3279*). Nonsense variants in KMT2D are expected to be pathogenic. This variant is interpreted as likely pathogenic.

Institute for Clinical Genetics, University Hospital TU Dresden, University Hospital TU Dresden
Classification: Pathogenic. Last evaluated: 2021-11-03. Review status: criteria provided, single submitter. Criteria: ACMG Guidelines, 2015. Collection method: clinical testing. Allele origin: germline.